The following is an entry in ClinVar:

ClinVar aggregate classification (germline): Conflicting classifications of pathogenicity. Review status: criteria provided, conflicting classifications (1 of 4 stars). 4 submissions from 4 submitters: Uncertain significance (3); Benign (1). Last evaluated 2024-07-16.

Conditions:
Inborn genetic diseases. Identifiers: MedGen C0950123, MeSH D030342.
Anemia, congenital dyserythropoietic, type IVa. Also called: Congenital dyserythropoietic anemia, type IV; CDA, TYPE IVa; Congenital dyserythropoietic anemia type 4. Identifiers: Orphanet 293825, MedGen C3150926, MONDO:0013355, OMIM 613673.

Allele frequency attached by ClinVar (database versions not stated): gnomAD exomes 0.00005 and 0.00003; TOPMed 0.00027; 1000 Genomes Project 0.00060; gnomAD 0.00024 and 0.00021; 1000 Genomes Project 30x 0.00047.
gnomAD v4.1: 71 of 1,533,352 alleles (0.0046%); highest among the groups gnomAD compares: African/African-American, 0.088%; no homozygotes.

Submissions (4):

Ambry Genetics
Classification: Uncertain significance for Inborn genetic diseases. Last evaluated: 2024-07-16. Review status: criteria provided, single submitter. Criteria: Ambry Variant Classification Scheme 2023. Collection method: clinical testing. Allele origin: germline.

Labcorp Genetics (formerly Invitae), Labcorp
Classification: Uncertain significance. Last evaluated: 2024-05-15. Review status: criteria provided, single submitter. Criteria: Invitae Variant Classification Sherloc (09022015). Collection method: clinical testing. Allele origin: germline.
Comment: This sequence change replaces tyrosine, which is neutral and polar, with asparagine, which is neutral and polar, at codon 181 of the KLF1 protein (p.Tyr181Asn). This variant is present in population databases (rs547785696, gnomAD 0.06%). This variant has not been reported in the literature in individuals affected with KLF1-related conditions. ClinVar contains an entry for this variant (Variation ID: 892550). Advanced modeling of protein sequence and biophysical properties (such as structural, functional, and spatial information, amino acid conservation, physicochemical variation, residue mobility, and thermodynamic stability) performed at Invitae indicates that this missense variant is not expected to disrupt KLF1 protein function with a negative predictive value of 80%. In summary, the available evidence is currently insufficient to determine the role of this variant in disease. Therefore, it has been classified as a Variant of Uncertain Significance.

Mayo Clinic Laboratories, Mayo Clinic
Classification: Uncertain significance. Last evaluated: 2023-02-07. Review status: criteria provided, single submitter. Criteria: ACMG Guidelines, 2015. Collection method: clinical testing. Allele origin: germline. Observed: 1 variant allele.
Comment: BP4

Illumina Laboratory Services, Illumina
Classification: Benign for Anemia, congenital dyserythropoietic, type IVa. Last evaluated: 2018-01-13. Review status: criteria provided, single submitter. Criteria: ICSL Variant Classification Criteria 13 December 2019. Collection method: clinical testing. Allele origin: germline.
Comment: This variant was observed in the ICSL laboratory as part of a predisposition screen in an ostensibly healthy population. It had not been previously curated by ICSL or reported in the Human Gene Mutation Database (HGMD: prior to June 1st, 2018), and was therefore a candidate for classification through an automated scoring system. Utilizing variant allele frequency, disease prevalence and penetrance estimates, and inheritance mode, an automated score was calculated to assess if this variant is too frequent to cause the disease. Based on the score and internal cut-off values, a variant classified as benign is not then subjected to further curation. The score for this variant resulted in a classification of benign for this disease.

NM_006563.5(KLF1):c.541T>A (p.Tyr181Asn)

Genes: KLF1 (KLF transcription factor 1; minus strand), LOC130063673 (ATAC-STARR-seq lymphoblastoid silent region 10180; plus strand). Cytogenetic location: 19p13.13.
Variant type: single nucleotide variant.
Coding change: c.541T>A on transcript NM_006563.5 (MANE Select); coding-DNA position 541, T replaced by A.
Protein change: p.Tyr181Asn; replaces tyrosine 181 with asparagine.
Molecular consequence: missense variant.
Genome position (GRCh38, 1-based): chr19:12,885,689, A>T on the plus strand (T>A on the coding strand, the complement: KLF1 is on the minus strand). VCF-style: chr19-12885689-A-T. GRCh37 (hg19) VCF-style: chr19-12996503-A-T.
Other names: p.Tyr181Asn; short protein forms Y181N.
Identifiers: ClinVar variation 892550 (VCV000892550.10), dbSNP rs547785696, ClinGen allele CA305499540.